The following is an entry in ClinVar:

ClinVar aggregate classification (germline): Benign/Likely benign. Review status: criteria provided, multiple submitters, no conflicts (2 of 4 stars). 8 submissions from 7 submitters: Benign (3); Likely benign (4). 1 of the submissions does not count toward it. Last evaluated 2026-03-10.

Conditions:
MORC2-related disorder. Also called: MORC2-related condition.
Developmental delay, impaired growth, dysmorphic facies, and axonal neuropathy. Identifiers: MedGen C5436781, MONDO:0030835, OMIM 619090.
Charcot-Marie-Tooth disease axonal type 2Z. Also called: CHARCOT-MARIE-TOOTH DISEASE, AXONAL, AUTOSOMAL DOMINANT, TYPE 2Z; CHARCOT-MARIE-TOOTH NEUROPATHY, TYPE 2Z. Identifiers: Orphanet 466768, MedGen C5569025, MONDO:0014736, OMIM 616688.
Inborn genetic diseases. Identifiers: MedGen C0950123, MeSH D030342.

Allele frequency attached by ClinVar (database versions not stated): gnomAD exomes 0.00006 and 0.00015; ESP Exome Variant Server 0.00046; gnomAD 0.00056 and 0.00061; TOPMed 0.00061; 1000 Genomes Project 30x 0.00016; ExAC 0.00016; 1000 Genomes Project 0.00020.
gnomAD v4.1: 175 of 1,614,030 alleles (0.011%); highest among the groups gnomAD compares: African/African-American, 0.2%; no homozygotes.

Submissions (8):

Women's Health and Genetics/Laboratory Corporation of America, LabCorp
Classification: Likely benign. Last evaluated: 2026-03-10. Review status: criteria provided, single submitter. Criteria: LabCorp Variant Classification Summary - May 2015. Collection method: clinical testing. Allele origin: germline.

PreventionGenetics, part of Exact Sciences
Classification: Likely benign for MORC2-related condition. Last evaluated: 2026-02-18. Review status: criteria provided, single submitter. Criteria: ACMG Guidelines, 2015. Collection method: clinical testing. Allele origin: germline.
Comment: This variant is classified as likely benign based on ACMG/AMP sequence variant interpretation guidelines (Richards et al. 2015 PMID: 25741868, with internal and published modifications).

Labcorp Genetics (formerly Invitae), Labcorp
Classification: Likely benign for Charcot-Marie-Tooth disease axonal type 2Z. Last evaluated: 2024-11-18. Review status: criteria provided, single submitter. Criteria: Invitae Variant Classification Sherloc (09022015). Collection method: clinical testing. Allele origin: germline.

Genome-Nilou Lab
Classification: Benign for Charcot-Marie-Tooth disease axonal type 2Z. Last evaluated: 2022-03-15. Review status: criteria provided, single submitter. Criteria: ACMG Guidelines, 2015. Collection method: clinical testing. Allele origin: germline. Affected: no.

Genome-Nilou Lab
Classification: Benign for Developmental delay, impaired growth, dysmorphic facies, and axonal neuropathy. Last evaluated: 2022-03-15. Review status: criteria provided, single submitter. Criteria: ACMG Guidelines, 2015. Collection method: clinical testing. Allele origin: germline. Affected: no.

Ambry Genetics
Classification: Likely benign for Inborn genetic diseases. Last evaluated: 2020-08-18. Review status: criteria provided, single submitter. Criteria: Ambry Variant Classification Scheme 2023. Collection method: clinical testing. Allele origin: germline.

GeneDx
Classification: Benign. Last evaluated: 2019-11-11. Review status: criteria provided, single submitter. Criteria: GeneDx Variant Classification Process June 2021. Collection method: clinical testing. Allele origin: germline. Affected: yes.

Department of Pathology and Laboratory Medicine, Sinai Health System
Classification: Likely benign. Review status: no assertion criteria provided. Collection method: clinical testing. Allele origin: unknown. Affected: yes. Study: The Canadian Open Genetics Repository (COGR). Not counted in ClinVar's aggregate classification.
Comment: The MORC2 p.Val682Ile variant was not identified in the literature nor was it identified in LOVD 3.0. The variant was identified in dbSNP (ID: rs144493873) and ClinVar (classifed as likely benign by Invitae for Charcot-Marie-Tooth disease axonal type 2z). The variant was identified in control databases in 55 of 282628 chromosomes at a frequency of 0.0001946 (Genome Aggregation Database March 6, 2019, v2.1.1). The variant was observed in the following populations: African in 47 of 24942 chromosomes (freq: 0.001884), Other in 2 of 7220 chromosomes (freq: 0.000277), South Asian in 3 of 30616 chromosomes (freq: 0.000098), Latino in 1 of 35434 chromosomes (freq: 0.000028) and European (non-Finnish) in 2 of 128980 chromosomes (freq: 0.000016), but was not observed in the Ashkenazi Jewish, East Asian, or European (Finnish) populations. The p.Val682 residue is not conserved in mammals and computational analyses (SIFT, AlignGVGD, BLOSUM, PolyPhen-2, MutationTaster) do not suggest a high likelihood of impact to the protein; however, this information is not predictive enough to rule out pathogenicity. The variant occurs outside of the splicing consensus sequence and in silico or computational prediction software programs (SpliceSiteFinder, MaxEntScan, NNSPLICE, GeneSplicer) do not predict a difference in splicing. In summary, based on the above information the clinical significance of this variant cannot be determined with certainty at this time although we would lean towards a more benign role for this variant. This variant is classified as likely benign.

NM_001303256.3(MORC2):c.2044G>A (p.Val682Ile)

Gene: MORC2 (MORC family CW-type zinc finger 2; minus strand). Cytogenetic location: 22q12.2.
Variant type: single nucleotide variant.
Coding change: c.2044G>A on transcript NM_001303256.3 (MANE Select); coding-DNA position 2044, G replaced by A.
Protein change: p.Val682Ile; replaces valine 682 with isoleucine.
Molecular consequence: missense variant.
Genome position (GRCh38, 1-based): chr22:30,934,930, C>T on the plus strand (G>A on the coding strand, the complement: MORC2 is on the minus strand). VCF-style: chr22-30934930-C-T. GRCh37 (hg19) VCF-style: chr22-31330917-C-T.
Other names: c.2044G>A, p.Val682Ile (NM_001303257.2); c.1858G>A, p.Val620Ile (NM_014941.3); short protein forms V682I, V620I.
Identifiers: ClinVar variation 475578 (VCV000475578.19), dbSNP rs144493873, ClinGen allele CA10186784.